The following is an entry in ClinVar:

ClinVar aggregate classification (germline): Uncertain significance. Review status: criteria provided, multiple submitters, no conflicts (2 of 4 stars). 6 submissions from 6 submitters: Uncertain significance (6). Last evaluated 2026-06-01.

Conditions:
Inborn genetic diseases. Identifiers: MedGen C0950123, MeSH D030342.
Hereditary spastic paraplegia 7 (SPG7). Also called: SPG7-related neurologic disorder; Spastic paraplegia 7; Hereditary spastic paraplegia Paraplegin type; Autosomal recessive spastic paraplegia type 7; SPASTIC PARAPLEGIA 7, AUTOSOMAL RECESSIVE, WITH OR WITHOUT CEREBELLAR ATAXIA. Identifiers: Orphanet 99013, MedGen C1846564, MONDO:0011803, OMIM 607259.

Allele frequency attached by ClinVar (database versions not stated): gnomAD exomes 0.00004 and 0.00008; ExAC 0.00010; 1000 Genomes Project 30x 0.00016; 1000 Genomes Project 0.00020.
gnomAD v4.1: 76 of 1,613,728 alleles (0.0047%); highest among the groups gnomAD compares: Middle Eastern, 0.033%; no homozygotes.

Submissions (6):

CeGaT Center for Human Genetics Tuebingen
Classification: Uncertain significance. Last evaluated: 2026-06-01. Review status: criteria provided, single submitter. Criteria: CeGaT Center For Human Genetics Tuebingen Variant Classification Criteria Version 2. Collection method: clinical testing. Allele origin: germline. Affected: yes. Observed: 1 variant allele.
Comment: SPG7: PM2, PP3

GeneDx
Classification: Uncertain significance. Last evaluated: 2025-12-16. Review status: criteria provided, single submitter. Criteria: GeneDx Variant Classification Process June 2021. Collection method: clinical testing. Allele origin: germline.
Comment: Has not been previously published as pathogenic or benign to our knowledge; In silico analysis suggests that this missense variant does not alter protein structure/function; This variant is associated with the following publications: (PMID: 22571692)

Labcorp Genetics (formerly Invitae), Labcorp
Classification: Uncertain significance for Hereditary spastic paraplegia 7. Last evaluated: 2025-08-26. Review status: criteria provided, single submitter. Criteria: Invitae Variant Classification Sherloc (09022015). Collection method: clinical testing. Allele origin: germline.
Comment: This sequence change replaces valine, which is neutral and non-polar, with isoleucine, which is neutral and non-polar, at codon 405 of the SPG7 protein (p.Val405Ile). This variant is present in population databases (rs115999025, gnomAD 0.03%). This variant has not been reported in the literature in individuals affected with SPG7-related conditions. ClinVar contains an entry for this variant (Variation ID: 565650). Invitae Evidence Modeling of protein sequence and biophysical properties (such as structural, functional, and spatial information, amino acid conservation, physicochemical variation, residue mobility, and thermodynamic stability) indicates that this missense variant is not expected to disrupt SPG7 protein function with a negative predictive value of 80%. In summary, the available evidence is currently insufficient to determine the role of this variant in disease. Therefore, it has been classified as a Variant of Uncertain Significance.

Ambry Genetics
Classification: Uncertain significance for Inborn genetic diseases. Last evaluated: 2023-10-16. Review status: criteria provided, single submitter. Criteria: Ambry Variant Classification Scheme 2023. Collection method: clinical testing. Allele origin: germline.

Mayo Clinic Laboratories, Mayo Clinic
Classification: Uncertain significance. Last evaluated: 2021-12-22. Review status: criteria provided, single submitter. Criteria: ACMG Guidelines, 2015. Collection method: clinical testing. Allele origin: germline.

Breakthrough Genomics
Classification: Uncertain significance. Review status: criteria provided, single submitter. Criteria: ACMG Guidelines, 2015. Collection method: not provided. Allele origin: germline. Inheritance: Autosomal recessive inheritance. Affected: yes.

NM_003119.4(SPG7):c.1213G>A (p.Val405Ile)

Gene: SPG7 (SPG7 matrix AAA peptidase subunit, paraplegin; plus strand). Cytogenetic location: 16q24.3.
Variant type: single nucleotide variant.
Coding change: c.1213G>A on transcript NM_003119.4 (MANE Select); coding-DNA position 1213, G replaced by A.
Protein change: p.Val405Ile; replaces valine 405 with isoleucine.
Molecular consequence: missense variant.
Genome position (GRCh38, 1-based): chr16:89,532,525, G>A. VCF-style: chr16-89532525-G-A. GRCh37 (hg19) VCF-style: chr16-89598933-G-A.
Other names: p.Val405Ile; c.1213G>A, p.Val405Ile (NM_001363850.1, NM_199367.3); c.1213G>A (NM_003119.2); short protein forms V405I.
Identifiers: ClinVar variation 565650 (VCV000565650.16), dbSNP rs115999025, ClinGen allele CA8243993.